The following is an entry in ClinVar:

ClinVar aggregate classification (germline): Pathogenic (1 of 4 stars; one submission).

Submission:

Labcorp Genetics (formerly Invitae), Labcorp
Classification: Pathogenic. Last evaluated: 2023-10-15. Review status: criteria provided, single submitter. Criteria: Invitae Variant Classification Sherloc (09022015). Collection method: clinical testing. Allele origin: unknown.
Comment: This variant is a gross deletion of the genomic region encompassing exon(s) 3-4 of the PHYH gene. This deletion is out-of-frame, and is expected to create a premature termination codon and result in an absent or disrupted protein product. Loss-of-function variants in PHYH are known to be pathogenic (PMID: 9326940, 14974078). This variant has not been reported in the literature in individuals affected with PHYH-related conditions. For these reasons, this variant has been classified as Pathogenic.

Literature cited by the submitters: PubMed 9326940; PubMed 14974078.

NC_000010.10:g.(?_13336408)_(13337626_?)del

Gene: PHYH (phytanoyl-CoA 2-hydroxylase; minus strand). Cytogenetic location: 10p13.
Variant type: Deletion.
Identifiers: ClinVar variation 3244979 (VCV003244979.1).